The following is an entry in ClinVar:

NM_002225.5(IVD):c.*1890G>C

Gene: IVD (isovaleryl-CoA dehydrogenase; plus strand). Cytogenetic location: 15q15.1.
Variant type: single nucleotide variant.
Coding change: c.*1890G>C on transcript NM_002225.5 (MANE Select); 1890 bases downstream of the stop codon, G replaced by C.
Molecular consequence: 3 prime UTR variant. On other transcripts: intron variant (3).
Genome position (GRCh38, 1-based): chr15:40,420,153, G>C. VCF-style: chr15-40420153-G-C. GRCh37 (hg19) VCF-style: chr15-40712352-G-C.
Other names: c.*1890G>C (NM_001159508.3, NM_001354597.3, NM_001354599.3); c.1225+3791G>C (NM_001354600.3); c.1138+3791G>C (NM_001354598.3, NM_001354601.3).
Identifiers: ClinVar variation 315824 (VCV000315824.6), dbSNP rs12185076, ClinGen allele CA10645835.

ClinVar aggregate classification (germline): Benign. Review status: criteria provided, multiple submitters, no conflicts (2 of 4 stars). 2 submissions from 2 submitters: Benign (2). Last evaluated 2018-01-12.

Conditions:
Isovaleryl-CoA dehydrogenase deficiency (IVA). Also called: ISOVALERIC ACID CoA DEHYDROGENASE DEFICIENCY; IVD DEFICIENCY; Isovaleric acidemia; Classic Isovaleric Acidemia. Identifiers: Orphanet 33, MedGen C0268575, MONDO:0009475, OMIM 243500.

Allele frequency attached by ClinVar (database versions not stated): 1000 Genomes Project 30x 0.07948; 1000 Genomes Project 0.08047; TOPMed 0.10688.
gnomAD v4.1: 126,978 of 985,564 alleles (13%); highest among the groups gnomAD compares: Non-Finnish European, 13%; 8,275 homozygotes.

Submissions (2):

Illumina Laboratory Services, Illumina
Classification: Benign for Isovaleryl-CoA dehydrogenase deficiency. Last evaluated: 2018-01-12. Review status: criteria provided, single submitter. Criteria: ICSL Variant Classification Criteria 13 December 2019. Collection method: clinical testing. Allele origin: germline.
Comment: This variant was observed in the ICSL laboratory as part of a predisposition screen in an ostensibly healthy population. It had not been previously curated by ICSL or reported in the Human Gene Mutation Database (HGMD: prior to June 1st, 2018), and was therefore a candidate for classification through an automated scoring system. Utilizing variant allele frequency, disease prevalence and penetrance estimates, and inheritance mode, an automated score was calculated to assess if this variant is too frequent to cause the disease. Based on the score and internal cut-off values, a variant classified as benign is not then subjected to further curation. The score for this variant resulted in a classification of benign for this disease.

Breakthrough Genomics
Classification: Benign. Review status: criteria provided, single submitter. Criteria: ACMG Guidelines, 2015. Collection method: not provided. Allele origin: germline. Inheritance: Autosomal recessive inheritance. Affected: yes.